The following is an entry in ClinVar:

NM_001164508.2(NEB):c.17063G>T (p.Arg5688Leu)

Gene: NEB (nebulin; minus strand). Cytogenetic location: 2q23.3.
Variant type: single nucleotide variant.
Coding change: c.17063G>T on transcript NM_001164508.2 (MANE Select); coding-DNA position 17063, G replaced by T.
Protein change: p.Arg5688Leu; replaces arginine 5688 with leucine.
Molecular consequence: missense variant.
Genome position (GRCh38, 1-based): chr2:151,570,552, C>A on the plus strand (G>T on the coding strand, the complement: NEB is on the minus strand). VCF-style: chr2-151570552-C-A. GRCh37 (hg19) VCF-style: chr2-152427066-C-A.
Other names: c.17063G>T, p.Arg5688Leu (NM_001164507.2, NM_001271208.2); c.11960G>T, p.Arg3987Leu (NM_004543.5); short protein forms R5688L, R3987L.
Identifiers: ClinVar variation 2080394 (VCV002080394.2), dbSNP rs752334619, ClinGen allele CA348808732.
Genomic context (GRCh38, chr2:151,570,552, plus strand): 5'-CTCACGTCACTGGCAATCTCCCTGGAGGCCTTGGCAGCCTGGATGGGGATGGCATCCAGC[C>A]GGACATCACAGCCCGCCTTCATTTCATCCCAGCCCTCACGGTAAAGTTTCTGAAAAGGAG-3'
Protein context (NP_001157980.2, residues 5678-5698): WDEMKAGCDV[Arg5688Leu]LDAIPIQAAK

ClinVar aggregate classification (germline): Uncertain significance (1 of 4 stars; one submission).

Conditions:
Nemaline myopathy 2 (NEM2). Also called: Nemaline myopathy 2, autosomal recessive. Identifiers: MedGen C1850569, MONDO:0009725, OMIM 256030.

gnomAD v4.1: 20 of 1,610,006 alleles (0.0012%); highest among the groups gnomAD compares: Non-Finnish European, 0.0017%; no homozygotes.

Submission:

Labcorp Genetics (formerly Invitae), Labcorp
Classification: Uncertain significance for Nemaline myopathy 2. Last evaluated: 2022-01-11. Review status: criteria provided, single submitter. Criteria: Invitae Variant Classification Sherloc (09022015). Collection method: clinical testing. Allele origin: germline.
Comment: This variant has not been reported in the literature in individuals affected with NEB-related conditions. The frequency data for this variant in the population databases is considered unreliable, as metrics indicate poor data quality at this position in the gnomAD database. This sequence change replaces arginine, which is basic and polar, with leucine, which is neutral and non-polar, at codon 5688 of the NEB protein (p.Arg5688Leu). Algorithms developed to predict the effect of missense changes on protein structure and function are either unavailable or do not agree on the potential impact of this missense change (SIFT: "Deleterious"; PolyPhen-2: "Not Available"; Align-GVGD: "Class C0"). In summary, the available evidence is currently insufficient to determine the role of this variant in disease. Therefore, it has been classified as a Variant of Uncertain Significance.